The following is an entry in ClinVar:

NM_001267550.2(TTN):c.47379C>G (p.Tyr15793Ter)

Genes: TTN (titin; minus strand), TTN-AS1 (TTN antisense RNA 1; plus strand). Cytogenetic location: 2q31.2.
Variant type: single nucleotide variant.
Coding change: c.47379C>G on transcript NM_001267550.2 (MANE Select); coding-DNA position 47379, C replaced by G.
Protein change: p.Tyr15793Ter; replaces tyrosine 15793 with a stop codon.
Molecular consequence: nonsense.
Genome position (GRCh38, 1-based): chr2:178,617,972, G>C on the plus strand (C>G on the coding strand, the complement: TTN is on the minus strand). VCF-style: chr2-178617972-G-C. GRCh37 (hg19) VCF-style: chr2-179482699-G-C.
Other names: c.42456C>G, p.Tyr14152Ter (NM_001256850.1); c.20184C>G, p.Tyr6728Ter (NM_003319.4); c.39675C>G, p.Tyr13225Ter (NM_133378.4); c.20559C>G, p.Tyr6853Ter (NM_133432.3); c.20760C>G, p.Tyr6920Ter (NM_133437.4); short protein forms Y14152*, Y6728*, Y6853*, Y13225*, Y15793*, Y6920*.
Identifiers: ClinVar variation 2127546 (VCV002127546.4), dbSNP rs374281025, ClinGen allele CA349617516.
Genomic context (GRCh38, chr2:178,617,972, plus strand): 5'-AGCTCTCACAGTCATGGCAGTATCCCACCTGATAGAAGTCTTGTCTCTTAATTCAATGAC[G>C]TAGTTTGTGATCTCAGCACCTCCATCATACTCTGGTGGTTCCCATGTCAGTGAGACACCA-3'

ClinVar aggregate classification (germline): Likely pathogenic (1 of 4 stars; one submission).

Conditions:
Dilated cardiomyopathy 1G (CMD1G). Identifiers: Orphanet 154, MedGen C1858763, MONDO:0011400, OMIM 604145.
Autosomal recessive limb-girdle muscular dystrophy type 2J (LGMDR10). Also called: Limb-girdle muscular dystrophy, type 2J; MUSCULAR DYSTROPHY, LIMB-GIRDLE, AUTOSOMAL RECESSIVE 10. Identifiers: Orphanet 140922, MedGen C1837342, MONDO:0012127, OMIM 608807.

Submission:

Labcorp Genetics (formerly Invitae), Labcorp
Classification: Likely pathogenic for Dilated cardiomyopathy 1G; Autosomal recessive limb-girdle muscular dystrophy type 2J. Last evaluated: 2022-04-18. Review status: criteria provided, single submitter. Criteria: Invitae Variant Classification Sherloc (09022015). Collection method: clinical testing. Allele origin: germline.
Comment: This variant has not been reported in the literature in individuals affected with TTN-related conditions. This variant is not present in population databases (gnomAD no frequency). This sequence change creates a premature translational stop signal (p.Tyr15793*) in the TTN gene. While this is not anticipated to result in nonsense mediated decay, it is expected to create a truncated TTN protein. This variant is located in the A band of TTN (PMID: 25589632). Truncating variants in this region are significantly overrepresented in patients affected with dilated cardiomyopathy (PMID: 25589632). Truncating variants in this region have also been reported in individuals affected with autosomal recessive centronuclear myopathy (PMID: 23975875). In summary, the currently available evidence indicates that the variant is pathogenic, but additional data are needed to prove that conclusively. Therefore, this variant has been classified as Likely Pathogenic.

Literature cited by the submitters: PubMed 25589632; PubMed 23975875.